The following is an entry in ClinVar:

NC_000002.11:g.(?_239306080)_(239307560_?)del

Gene: TRAF3IP1 (TRAF3 interacting protein 1; plus strand). Cytogenetic location: 2q37.3.
Variant type: Deletion.
Identifiers: ClinVar variation 2426205 (VCV002426205.4).

ClinVar aggregate classification (germline): Uncertain significance (1 of 4 stars; one submission).

Submission:

Labcorp Genetics (formerly Invitae), Labcorp
Classification: Uncertain significance. Last evaluated: 2023-03-02. Review status: criteria provided, single submitter. Criteria: Invitae Variant Classification Sherloc (09022015). Collection method: clinical testing. Allele origin: germline.
Comment: This variant is a gross deletion of the genomic region encompassing exon(s) 16-17 of the TRAF3IP1 gene, which includes the termination codon. This deletion extends beyond the assayed region for this gene and therefore may encompass additional genes. While this deletion is not anticipated to lead to nonsense mediated decay, it is expected to alter mRNA translation or result in a truncated protein product. This variant has not been reported in the literature in individuals affected with TRAF3IP1-related conditions. In summary, the available evidence is currently insufficient to determine the role of this variant in disease. Therefore, it has been classified as a Variant of Uncertain Significance.